The following is an entry in ClinVar:

GRCh37/hg19 4q28.3-31.21(chr4:134952803-144712496)x1

Genes: CLGN (calmegin; minus strand), ELF2 (E74 like ETS transcription factor 2; minus strand), ELMOD2 (ELMO domain containing 2; plus strand), FREM3 (FRAS1 related extracellular matrix 3; minus strand), GAB1 (GRB2 associated binding protein 1; plus strand) and 21 more. Cytogenetic location: 4q28.3-31.21.
Variant type: copy number loss.
Change: copy number 1 (one copy instead of two) of chr4:134,952,803-144,712,496 (9.76 Mb, GRCh37 coordinates, 1-based), cytogenetic band 4q28.3-31.21.
Identifiers: ClinVar variation 4682609 (VCV004682609.1).

ClinVar aggregate classification (germline): Pathogenic (1 of 4 stars; one submission).

Submission:

Quest Diagnostics Nichols Institute San Juan Capistrano
Classification: Pathogenic. Last evaluated: 2025-06-11. Review status: criteria provided, single submitter. Criteria: ACMG/ClinGen CNV Guidelines, 2019. Collection method: clinical testing. Allele origin: unknown.
Comment: This deletion involves at least 26 protein-coding genes. Heterozygous deletions overlapping the current interval have been reported in individuals variable phenotypes (Ayaz 2022, Cheng 2018, Duga 2014, Rim 2015, Thuresson 2007), and haploinsufficiency of NAA15 is associated with autosomal dominant intellectual developmental disorder 50 with behavioral abnormalities (CCID:007515; OMIM 617787, Cheng 2018). There are no similar copy number losses of this region in the general populations of the Database of Genomic Variants. Thus, based on current medical literature and gene content, this copy number variant (CNV) is classified as pathogenic. References: Ayaz et al., Medeni Med J. 2022 Jun 23;37(2):180-193. PMID: 35735171 Cheng et al., Am J Hum Genet. 2018 May 3;102(5):985-994. PMID: 29656860 Duga et al., Mol Cytogenet. 2014 Jun 5:7:36. PMID: 24959202 Rim et al., Yonsei Med J. 2015 Nov;56(6):1742-4. PMID: 26446663 Thuresson et al., Cytogenet Genome Res. 2007;118(1):1-7. PMID: 17901693